The following is an entry in ClinVar:

ClinVar aggregate classification (germline): Uncertain significance (1 of 4 stars; one submission).

Conditions:
Hereditary cancer-predisposing syndrome. Also called: Neoplastic Syndromes, Hereditary; Tumor predisposition; Hereditary neoplastic syndrome; Hereditary Cancer Syndrome. Identifiers: Orphanet 140162, MedGen C0027672, MeSH D009386, MONDO:0015356.

Submission:

Labcorp Genetics (formerly Invitae), Labcorp
Classification: Uncertain significance for Hereditary cancer-predisposing syndrome. Last evaluated: 2024-04-16. Review status: criteria provided, single submitter. Criteria: Invitae Variant Classification Sherloc (09022015). Collection method: clinical testing. Allele origin: germline.
Comment: This sequence change replaces valine, which is neutral and non-polar, with leucine, which is neutral and non-polar, at codon 1250 of the RAD50 protein (p.Val1250Leu). This variant is not present in population databases (gnomAD no frequency). This variant has not been reported in the literature in individuals affected with RAD50-related conditions. Advanced modeling of protein sequence and biophysical properties (such as structural, functional, and spatial information, amino acid conservation, physicochemical variation, residue mobility, and thermodynamic stability) has been performed at Invitae for this missense variant, however the output from this modeling did not meet the statistical confidence thresholds required to predict the impact of this variant on RAD50 protein function. In summary, the available evidence is currently insufficient to determine the role of this variant in disease. Therefore, it has been classified as a Variant of Uncertain Significance.

NM_005732.4(RAD50):c.3748G>C (p.Val1250Leu)

Genes: TH2LCRR (T helper type 2 locus control region associated RNA; minus strand), TH2-LCR (Th2 cytokine locus control region; plus strand), RAD50 (RAD50 double strand break repair protein; plus strand). Cytogenetic location: 5q31.1.
Variant type: single nucleotide variant.
Coding change: c.3748G>C on transcript NM_005732.4 (MANE Select); coding-DNA position 3748, G replaced by C.
Protein change: p.Val1250Leu; replaces valine 1250 with leucine.
Molecular consequence: missense variant.
Genome position (GRCh38, 1-based): chr5:132,640,801, G>C. VCF-style: chr5-132640801-G-C. GRCh37 (hg19) VCF-style: chr5-131976493-G-C.
Other names: short protein forms V1250L.
Identifiers: ClinVar variation 2719619 (VCV002719619.3), dbSNP rs1200638952, ClinGen allele CA360935049.